The following is an entry in ClinVar:

ClinVar aggregate classification (germline): Uncertain significance. Review status: criteria provided, multiple submitters, no conflicts (2 of 4 stars). 2 submissions from 2 submitters: Uncertain significance (2). Last evaluated 2025-04-16.

Conditions:
Cardiovascular phenotype. Identifiers: MedGen CN230736.
Alagille syndrome due to a JAG1 point mutation. Also called: HEPATIC DUCTULAR HYPOPLASIA, SYNDROMATIC; JAG1-Related Alagille Syndrome; Alagille Syndrome 1. Identifiers: Orphanet 261619, Orphanet 52, MedGen C1956125, MONDO:0016862, OMIM 118450.

Submissions (2):

Labcorp Genetics (formerly Invitae), Labcorp
Classification: Uncertain significance for Alagille syndrome due to a JAG1 point mutation. Last evaluated: 2025-04-16. Review status: criteria provided, single submitter. Criteria: Invitae Variant Classification Sherloc (09022015). Collection method: clinical testing. Allele origin: germline.
Comment: This sequence change replaces valine, which is neutral and non-polar, with alanine, which is neutral and non-polar, at codon 1057 of the JAG1 protein (p.Val1057Ala). This variant is not present in population databases (gnomAD no frequency). This variant has not been reported in the literature in individuals affected with JAG1-related conditions. ClinVar contains an entry for this variant (Variation ID: 1490616). Invitae Evidence Modeling of protein sequence and biophysical properties (such as structural, functional, and spatial information, amino acid conservation, physicochemical variation, residue mobility, and thermodynamic stability) indicates that this missense variant is not expected to disrupt JAG1 protein function with a negative predictive value of 95%. In summary, the available evidence is currently insufficient to determine the role of this variant in disease. Therefore, it has been classified as a Variant of Uncertain Significance.

Ambry Genetics
Classification: Uncertain significance for Cardiovascular phenotype. Last evaluated: 2025-03-25. Review status: criteria provided, single submitter. Criteria: Ambry Variant Classification Scheme 2023. Collection method: clinical testing. Allele origin: germline.
Comment: The p.V1057A variant (also known as c.3170T>C), located in coding exon 25 of the JAG1 gene, results from a T to C substitution at nucleotide position 3170. The valine at codon 1057 is replaced by alanine, an amino acid with similar properties. This amino acid position is conserved. In addition, this alteration is predicted to be deleterious by in silico analysis. Based on the available evidence, the clinical significance of this variant remains unclear.

NM_000214.3(JAG1):c.3170T>C (p.Val1057Ala)

Gene: JAG1 (jagged canonical Notch ligand 1; minus strand). Cytogenetic location: 20p12.2.
Variant type: single nucleotide variant.
Coding change: c.3170T>C on transcript NM_000214.3 (MANE Select); coding-DNA position 3170, T replaced by C.
Protein change: p.Val1057Ala; replaces valine 1057 with alanine.
Molecular consequence: missense variant.
Genome position (GRCh38, 1-based): chr20:10,640,812, A>G on the plus strand (T>C on the coding strand, the complement: JAG1 is on the minus strand). VCF-style: chr20-10640812-A-G. GRCh37 (hg19) VCF-style: chr20-10621460-A-G.
Other names: c.3170T>C (NM_000214.2); short protein forms V1057A.
Identifiers: ClinVar variation 1490616 (VCV001490616.9), dbSNP rs2122594991, ClinGen allele CA408243962.